The following is an entry in ClinVar:

ClinVar aggregate classification (germline): Likely benign. Review status: criteria provided, multiple submitters, no conflicts (2 of 4 stars). 3 submissions from 3 submitters: Likely benign (2). 1 of the submissions does not count toward it. Last evaluated 2025-05-07.

Conditions:
TAPT1-related disorder. Also called: TAPT1-related condition.

Allele frequency attached by ClinVar (database versions not stated): gnomAD exomes 0.00002 and 0.00004; ExAC 0.00006; gnomAD 0.00019 and 0.00021; TOPMed 0.00020; ESP Exome Variant Server 0.00042.
gnomAD v4.1: 56 of 1,573,442 alleles (0.0036%); highest among the groups gnomAD compares: African/African-American, 0.069%; no homozygotes.

Submissions (3):

Labcorp Genetics (formerly Invitae), Labcorp
Classification: Likely benign. Last evaluated: 2025-05-07. Review status: criteria provided, single submitter. Criteria: Invitae Variant Classification Sherloc (09022015). Collection method: clinical testing. Allele origin: germline.

Breakthrough Genomics
Classification: Likely benign. Review status: criteria provided, single submitter. Criteria: ACMG Guidelines, 2015. Collection method: not provided. Allele origin: germline. Inheritance: Autosomal recessive inheritance. Affected: yes.

PreventionGenetics, part of Exact Sciences
Classification: Likely benign for TAPT1-related condition. Last evaluated: 2022-04-06. Review status: no assertion criteria provided. Collection method: clinical testing. Allele origin: germline. Not counted in ClinVar's aggregate classification.
Comment: This variant is classified as likely benign based on ACMG/AMP sequence variant interpretation guidelines (Richards et al. 2015 PMID: 25741868, with internal and published modifications).

NM_153365.3(TAPT1):c.309A>G (p.Arg103=)

Gene: TAPT1 (transmembrane anterior posterior transformation 1; minus strand). Cytogenetic location: 4p15.32.
Variant type: single nucleotide variant.
Coding change: c.309A>G on transcript NM_153365.3 (MANE Select); coding-DNA position 309, A replaced by G.
Protein change: p.Arg103=; no amino-acid change (arginine 103 retained).
Molecular consequence: synonymous variant.
Genome position (GRCh38, 1-based): chr4:16,213,789, T>C on the plus strand (A>G on the coding strand, the complement: TAPT1 is on the minus strand). VCF-style: chr4-16213789-T-C. GRCh37 (hg19) VCF-style: chr4-16215412-T-C.
Identifiers: ClinVar variation 794573 (VCV000794573.11), dbSNP rs368267885, ClinGen allele CA2867553.
Genomic context (GRCh38, chr4:16,213,789, plus strand): 5'-CTTTCAAAATGATGTCTGGTAATGAAGAAAAAATAGTACCTTTTCCAATTCTCTTGGTAT[T>C]CGCAAACAAGTGTATACTCTTTCTCTTCTTTCTGTATACTTGGCCTCATTATGTTCAAGG-3'
Protein context (NP_699196.2, residues 93-113): ERRERVYTCL[Arg103=]IPRELEKLMV